The following is an entry in ClinVar:

ClinVar aggregate classification (germline): Likely benign. Review status: no assertion criteria provided (0 of 4 stars). 3 submissions from 3 submitters: Likely benign (3). Last evaluated 2022-12-04.

Conditions:
PKD1-related disorder. Also called: PKD1-related condition.

Allele frequency attached by ClinVar (database versions not stated): ESP Exome Variant Server 0.00026.
gnomAD v4.1: 133 of 1,512,180 alleles (0.0088%); highest among the groups gnomAD compares: East Asian, 0.026%; 2 homozygotes.

Submissions (3):

PreventionGenetics, part of Exact Sciences
Classification: Likely benign for PKD1-related condition. Last evaluated: 2022-12-04. Review status: no assertion criteria provided. Collection method: clinical testing. Allele origin: germline.
Comment: This variant is classified as likely benign based on ACMG/AMP sequence variant interpretation guidelines (Richards et al. 2015 PMID: 25741868, with internal and published modifications).

Clinical Genetics DNA and cytogenetics Diagnostics Lab, Erasmus MC, Erasmus Medical Center
Classification: Likely benign. Review status: no assertion criteria provided. Collection method: clinical testing. Allele origin: germline. Affected: yes. Study: VKGL Data-share Consensus.

Laboratory of Diagnostic Genome Analysis, Leiden University Medical Center (LUMC)
Classification: Likely benign. Review status: no assertion criteria provided. Collection method: clinical testing. Allele origin: germline. Affected: yes. Study: VKGL Data-share Consensus.

NM_001009944.3(PKD1):c.8161+7C>T

Gene: PKD1 (polycystin 1, transient receptor potential channel interacting; minus strand). Cytogenetic location: 16p13.3.
Variant type: single nucleotide variant.
Coding change: c.8161+7C>T on transcript NM_001009944.3 (MANE Select); 7 bases into the intron after coding-DNA position 8161, C replaced by T.
Molecular consequence: intron variant.
Genome position (GRCh38, 1-based): chr16:2,104,491, G>A on the plus strand (C>T on the coding strand, the complement: PKD1 is on the minus strand). VCF-style: chr16-2104491-G-A. GRCh37 (hg19) VCF-style: chr16-2154492-G-A.
Other names: c.8161+7C>T (NM_000296.4, NM_001009944.2).
Identifiers: ClinVar variation 1328371 (VCV001328371.4), dbSNP rs371902103, ClinGen allele CA7830702.